The following is an entry in ClinVar:

NM_182919.4(TICAM1):c.1422G>A (p.Met474Ile)

Gene: TICAM1 (TIR domain containing adaptor molecule 1; minus strand). Cytogenetic location: 19p13.3.
Variant type: single nucleotide variant.
Coding change: c.1422G>A on transcript NM_182919.4 (MANE Select); coding-DNA position 1422, G replaced by A.
Protein change: p.Met474Ile; replaces methionine 474 with isoleucine.
Molecular consequence: missense variant.
Genome position (GRCh38, 1-based): chr19:4,816,956, C>T on the plus strand (G>A on the coding strand, the complement: TICAM1 is on the minus strand). VCF-style: chr19-4816956-C-T. GRCh37 (hg19) VCF-style: chr19-4816968-C-T.
Other names: c.1380G>A, p.Met460Ile (NM_001385678.1); c.1287G>A, p.Met429Ile (NM_001385679.1); c.780G>A, p.Met260Ile (NM_001385680.1); c.1422G>A (NM_182919.2); short protein forms M260I, M460I, M474I, M429I.
Identifiers: ClinVar variation 1408614 (VCV001408614.10), dbSNP rs374044969, ClinGen allele CA9105142.

ClinVar aggregate classification (germline): Uncertain significance. Review status: criteria provided, multiple submitters, no conflicts (2 of 4 stars). 2 submissions from 2 submitters: Uncertain significance (2). Last evaluated 2025-09-10.

Conditions:
Encephalopathy, acute, infection-induced (herpes-specific), susceptibility to, 6. Also called: Herpes simplex encephalitis, susceptibility to, 4. Identifiers: Orphanet 1930, MedGen C3553869, MONDO:0013921, OMIM 614850.

Allele frequency attached by ClinVar (database versions not stated): gnomAD exomes 0.00001 and 0.00003; gnomAD 0.00002; ExAC 0.00002; TOPMed 0.00001; ESP Exome Variant Server 0.00008.
gnomAD v4.1: 40 of 1,613,926 alleles (0.0025%); highest among the groups gnomAD compares: Non-Finnish European, 0.0033%; no homozygotes.

Submissions (2):

Ambry Genetics
Classification: Uncertain significance. Last evaluated: 2025-09-10. Review status: criteria provided, single submitter. Criteria: Ambry Variant Classification Scheme 2023. Collection method: clinical testing. Allele origin: germline.

Labcorp Genetics (formerly Invitae), Labcorp
Classification: Uncertain significance for Encephalopathy, acute, infection-induced (herpes-specific), susceptibility to, 6. Last evaluated: 2024-10-22. Review status: criteria provided, single submitter. Criteria: Invitae Variant Classification Sherloc (09022015). Collection method: clinical testing. Allele origin: germline.
Comment: This sequence change replaces methionine, which is neutral and non-polar, with isoleucine, which is neutral and non-polar, at codon 474 of the TICAM1 protein (p.Met474Ile). This variant is present in population databases (rs374044969, gnomAD 0.002%). This variant has not been reported in the literature in individuals affected with TICAM1-related conditions. ClinVar contains an entry for this variant (Variation ID: 1408614). An algorithm developed to predict the effect of missense changes on protein structure and function outputs the following: PolyPhen-2: "Benign". The isoleucine amino acid residue is found in multiple mammalian species, which suggests that this missense change does not adversely affect protein function. In summary, the available evidence is currently insufficient to determine the role of this variant in disease. Therefore, it has been classified as a Variant of Uncertain Significance.